The following is an entry in ClinVar:

NM_001903.5(CTNNA1):c.1222G>C (p.Ala408Pro)

Gene: CTNNA1 (catenin alpha 1; plus strand). Cytogenetic location: 5q31.2.
Variant type: single nucleotide variant.
Coding change: c.1222G>C on transcript NM_001903.5 (MANE Select); coding-DNA position 1222, G replaced by C.
Protein change: p.Ala408Pro; replaces alanine 408 with proline.
Molecular consequence: missense variant. On other transcripts: 5 prime UTR variant (5), intron variant (2).
Genome position (GRCh38, 1-based): chr5:138,887,568, G>C. VCF-style: chr5-138887568-G-C. GRCh37 (hg19) VCF-style: chr5-138223257-G-C.
Other names: c.112G>C, p.Ala38Pro (NM_001323987.1, NM_001323988.1, NM_001323989.1 and 18 more transcripts); c.913G>C, p.Ala305Pro (NM_001290309.3); c.853G>C, p.Ala285Pro (NM_001290310.3); c.1222G>C, p.Ala408Pro (NM_001323982.2, NM_001290307.3, NM_001323983.1 and 3 more transcripts); c.-286G>C (NM_001324006.1, NM_001324007.1, NM_001324008.1 and 1 more transcripts); c.-161G>C (NM_001324013.1); c.-58+11971G>C (NM_001324012.1); c.-61+11971G>C (NM_001324010.1); short protein forms A285P, A408P, A305P, A38P.
Identifiers: ClinVar variation 4825919 (VCV004825919.1).

ClinVar aggregate classification (germline): Uncertain significance (1 of 4 stars; one submission).

Conditions:
Hereditary cancer-predisposing syndrome. Also called: Neoplastic Syndromes, Hereditary; Tumor predisposition; Hereditary Cancer Syndrome; Hereditary neoplastic syndrome. Identifiers: Orphanet 140162, MedGen C0027672, MeSH D009386, MONDO:0015356.

Submission:

Ambry Genetics
Classification: Uncertain significance for Hereditary cancer-predisposing syndrome. Last evaluated: 2026-02-24. Review status: criteria provided, single submitter. Criteria: Ambry Variant Classification Scheme 2023. Collection method: clinical testing. Allele origin: germline.
Comment: The p.A408P variant (also known as c.1222G>C), located in coding exon 8 of the CTNNA1 gene, results from a G to C substitution at nucleotide position 1222. The alanine at codon 408 is replaced by proline, an amino acid with highly similar properties. This amino acid position is conserved. In addition, this alteration is predicted to be deleterious by in silico analysis. Based on the available evidence, the clinical significance of this variant remains unclear.